The following is an entry in ClinVar:

NM_015346.4(ZFYVE26):c.6738GAA[2] (p.Lys2248del)

Gene: ZFYVE26 (zinc finger FYVE-type containing 26; minus strand). Cytogenetic location: 14q24.1.
Variant type: Microsatellite.
Coding change: c.6738GAA[2] on transcript NM_015346.4 (MANE Select); two copies in a row of the 3-base unit GAA starting at c.6738; the reference has three copies in a row; one copy, 3 bases deleted; also written c.6744_6746del.
Protein change: p.Lys2248del; deletes lysine 2248.
Molecular consequence: inframe deletion.
Genome position (GRCh38, 1-based): chr14:67,755,988-67,755,990, TTC deleted on the plus strand (GAA on the coding strand, the reverse complement: ZFYVE26 is on the minus strand); deleting any 3 consecutive bases within chr14:67,755,988-67,755,997 gives the same sequence; the position shown is the placement nearest the transcript's 3' end. VCF-style (leftmost placement, unchanged base first): chr14-67755987-GTTC-G. GRCh37 (hg19) VCF-style: chr14-68222704-GTTC-G.
Other names: c.6744_6746del (NM_015346.3); c.6744_6746delGAA (NM_015346.3); short protein forms K2248del.
Identifiers: ClinVar variation 241056 (VCV000241056.5), dbSNP rs764479245, ClinGen allele CA7239157.

ClinVar aggregate classification (germline): Conflicting classifications of pathogenicity. Review status: criteria provided, conflicting classifications (1 of 4 stars). 3 submissions from 3 submitters: Likely pathogenic (1); Uncertain significance (1). 1 of the submissions does not count toward it. Last evaluated 2026-08-31.

Conditions:
Spastic paraplegia. Identifiers: MedGen C0037772, HP:0001258.
Hereditary spastic paraplegia 15 (SPG15). Also called: SPASTIC PARAPLEGIA 15, AUTOSOMAL RECESSIVE; KJELLIN SYNDROME; SPASTIC PARAPLEGIA AND RETINAL DEGENERATION. Identifiers: Orphanet 100996, MedGen C1849128, MONDO:0010044, OMIM 270700.

Submissions (3):

GeneDx
Classification: Likely pathogenic. Last evaluated: 2026-08-31. Review status: criteria provided, single submitter. Criteria: GeneDx Variant Classification Process June 2021. Collection method: clinical testing. Allele origin: germline.
Comment: Not observed at significant frequency in large population cohorts (gnomAD); In-frame deletion of 1 amino acid in a non-repeat region; In silico analysis supports a deleterious effect on protein structure/function; This variant is associated with the following publications: (PMID: 36315648, 24833714, 37681008)

Labcorp Genetics (formerly Invitae), Labcorp
Classification: Uncertain significance for Spastic paraplegia. Last evaluated: 2022-01-14. Review status: criteria provided, single submitter. Criteria: Invitae Variant Classification Sherloc (09022015). Collection method: clinical testing. Allele origin: germline.
Comment: This variant, c.6744_6746del, results in the deletion of 1 amino acid(s) of the ZFYVE26 protein (p.Lys2248del), but otherwise preserves the integrity of the reading frame. This variant is present in population databases (rs764479245, gnomAD 0.007%). This variant has been observed in individual(s) with complicated spastic paraplegia (PMID: 24833714). In at least one individual the data is consistent with being in trans (on the opposite chromosome) from a pathogenic variant. ClinVar contains an entry for this variant (Variation ID: 241056). Experimental studies and prediction algorithms are not available or were not evaluated, and the functional significance of this variant is currently unknown. In summary, the available evidence is currently insufficient to determine the role of this variant in disease. Therefore, it has been classified as a Variant of Uncertain Significance.

Counsyl
Classification: Uncertain significance for Hereditary spastic paraplegia 15. Last evaluated: 2018-01-25. Review status: no assertion criteria provided. Collection method: clinical testing. Allele origin: unknown. Not counted in ClinVar's aggregate classification.

Literature cited by the submitters: PubMed 24833714 (cited by Labcorp Genetics (formerly Invitae), Labcorp and Counsyl).